The following is an entry in ClinVar:

NM_032888.4(COL27A1):c.1745C>A (p.Pro582His)

Gene: COL27A1 (collagen type XXVII alpha 1 chain; plus strand). Cytogenetic location: 9q32.
Variant type: single nucleotide variant.
Coding change: c.1745C>A on transcript NM_032888.4 (MANE Select); coding-DNA position 1745, C replaced by A.
Protein change: p.Pro582His; replaces proline 582 with histidine.
Molecular consequence: missense variant.
Genome position (GRCh38, 1-based): chr9:114,169,300, C>A. VCF-style: chr9-114169300-C-A. GRCh37 (hg19) VCF-style: chr9-116931580-C-A.
Other names: c.1745C>A (NM_032888.2); short protein forms P582H.
Identifiers: ClinVar variation 2165619 (VCV002165619.2), dbSNP rs774045307, ClinGen allele CA5201463.

ClinVar aggregate classification (germline): Uncertain significance. Review status: criteria provided, multiple submitters, no conflicts (2 of 4 stars). 2 submissions from 2 submitters: Uncertain significance (2). Last evaluated 2025-04-12.

Conditions:
Inborn genetic diseases. Identifiers: MedGen C0950123, MeSH D030342.

Allele frequency attached by ClinVar (database versions not stated): gnomAD exomes 0.00005; gnomAD 0.00003; ExAC 0.00006.
gnomAD v4.1: 70 of 1,612,682 alleles (0.0043%); highest among the groups gnomAD compares: South Asian, 0.076%; no homozygotes.

Submissions (2):

Ambry Genetics
Classification: Uncertain significance for Inborn genetic diseases. Last evaluated: 2025-04-12. Review status: criteria provided, single submitter. Criteria: Ambry Variant Classification Scheme 2023. Collection method: clinical testing. Allele origin: germline.

Labcorp Genetics (formerly Invitae), Labcorp
Classification: Uncertain significance. Last evaluated: 2021-12-18. Review status: criteria provided, single submitter. Criteria: Invitae Variant Classification Sherloc (09022015). Collection method: clinical testing. Allele origin: germline.
Comment: This sequence change replaces proline, which is neutral and non-polar, with histidine, which is basic and polar, at codon 582 of the COL27A1 protein (p.Pro582His). This variant is present in population databases (rs774045307, gnomAD 0.06%). This variant has not been reported in the literature in individuals affected with COL27A1-related conditions. Advanced modeling of protein sequence and biophysical properties (such as structural, functional, and spatial information, amino acid conservation, physicochemical variation, residue mobility, and thermodynamic stability) performed at Invitae indicates that this missense variant is not expected to disrupt COL27A1 protein function. In summary, the available evidence is currently insufficient to determine the role of this variant in disease. Therefore, it has been classified as a Variant of Uncertain Significance.